The following is an entry in ClinVar:

GRCh37/hg19 2p16.3(chr2:51139921-51400512)x1

Gene: NRXN1 (neurexin 1; minus strand). Cytogenetic location: 2p16.3.
Variant type: copy number loss.
Change: copy number 1 (one copy instead of two) of chr2:51,139,921-51,400,512 (260.6 kb, GRCh37 coordinates, 1-based), cytogenetic band 2p16.3.
Identifiers: ClinVar variation 1710522 (VCV001710522.3).

ClinVar aggregate classification (germline): Pathogenic (1 of 4 stars; one submission).

Submission:

Illumina Laboratory Services, Illumina
Classification: Pathogenic. Last evaluated: 2021-12-13. Review status: criteria provided, single submitter. Criteria: ICSL CNVClassificationCriteria Aug2020. Collection method: clinical testing. Allele origin: unknown.
Comment: This CNV is a 261 kb deletion of 2p16.3 on chromosome 2, (seq[GRCh37]del(2)(p16.3);chr2:g.51139921_51400512del), found in a de novo state. This CNV constitutes a deletion of exons 1 through 5 of the NRXN1 gene, with one breakpoint located in intron 5 and another located upstream of the first exon thereby also affecting the promoter region. Similar deletions of exons 1 through 5 have been reported in at least 68 unrelated cases with variable neurodevelopmental or neuropsychiatric abnormalities, and a metareview of several previously published studies found that these deletions were significantly enriched in cases, with at least 14 having arisen de novo (Brignell et al. 2018; Cosemans et al. 2020). A larger heterozygous deletion that also affects exons 1 through 5 has been observed in one individual at a total allele frequency of 0.000046 in the Genome Aggregation Database (gnomAD SVs version 2.1). Estimated penetrance of exons 1 through 5 deletions is reported to be as low as 12.6% and a de novo rate of ~33% with intellectual disability and developmental delays being less commonly observed as compared to 3' deletions (exons 6-24) of the NRXN1 gene (Cosemans et al. 2020). Based on the available evidence, this CNV is classified as pathogenic.

Literature cited by the submitters: PubMed 30358070; PubMed 31932357.